The following is an entry in ClinVar:

ClinVar aggregate classification (germline): Uncertain significance (1 of 4 stars; one submission).

gnomAD v4.1: 34 of 1,614,058 alleles (0.0021%); highest among the groups gnomAD compares: South Asian, 0.0044%; no homozygotes.

Submission:

Labcorp Genetics (formerly Invitae), Labcorp
Classification: Uncertain significance. Last evaluated: 2025-06-13. Review status: criteria provided, single submitter. Criteria: Invitae Variant Classification Sherloc (09022015). Collection method: clinical testing. Allele origin: germline.
Comment: This sequence change replaces arginine, which is basic and polar, with histidine, which is basic and polar, at codon 1226 of the COL4A4 protein (p.Arg1226His). This variant is present in population databases (rs751169399, gnomAD 0.006%). This variant has not been reported in the literature in individuals affected with COL4A4-related conditions. ClinVar contains an entry for this variant (Variation ID: 3730553). Invitae Evidence Modeling of protein sequence and biophysical properties (such as structural, functional, and spatial information, amino acid conservation, physicochemical variation, residue mobility, and thermodynamic stability) indicates that this missense variant is not expected to disrupt COL4A4 protein function with a negative predictive value of 95%. In summary, the available evidence is currently insufficient to determine the role of this variant in disease. Therefore, it has been classified as a Variant of Uncertain Significance.

NM_000092.5(COL4A4):c.3677G>A (p.Arg1226His)

Gene: COL4A4 (collagen type IV alpha 4 chain; minus strand). Cytogenetic location: 2q36.3.
Variant type: single nucleotide variant.
Coding change: c.3677G>A on transcript NM_000092.5 (MANE Select); coding-DNA position 3677, G replaced by A.
Protein change: p.Arg1226His; replaces arginine 1226 with histidine.
Molecular consequence: missense variant.
Genome position (GRCh38, 1-based): chr2:227,032,177, C>T on the plus strand (G>A on the coding strand, the complement: COL4A4 is on the minus strand). VCF-style: chr2-227032177-C-T. GRCh37 (hg19) VCF-style: chr2-227896893-C-T.
Other names: short protein forms R1226H.
Identifiers: ClinVar variation 3730553 (VCV003730553.2).
Genomic context (GRCh38, chr2:227,032,177, plus strand): 5'-TGAAAGAAGGGCAAAGCATGCTACAGCTTACCTGGGGGTCCTGGGGGACCTTTCTTTCCA[C>T]GAGGACCTGGAGGAGAGATTCCTGGGCTCCCAGGGTCTCCTCTCTCCCCTTTTAGCCCAG-3'
Protein context (NP_000083.3, residues 1216-1236): GSPGISPPGP[Arg1226His]GKKGPPGPPG